The following is an entry in ClinVar:

ClinVar aggregate classification (germline): Uncertain significance (1 of 4 stars; one submission).

Submission:

Labcorp Genetics (formerly Invitae), Labcorp
Classification: Uncertain significance. Last evaluated: 2024-01-19. Review status: criteria provided, single submitter. Criteria: Invitae Variant Classification Sherloc (09022015). Collection method: clinical testing. Allele origin: germline.
Comment: This sequence change replaces leucine, which is neutral and non-polar, with phenylalanine, which is neutral and non-polar, at codon 1802 of the VCAN protein (p.Leu1802Phe). This variant is not present in population databases (gnomAD no frequency). This variant has not been reported in the literature in individuals affected with VCAN-related conditions. ClinVar contains an entry for this variant (Variation ID: 1483317). Algorithms developed to predict the effect of missense changes on protein structure and function output the following: SIFT: "Not Available"; PolyPhen-2: "Benign"; Align-GVGD: "Not Available". The phenylalanine amino acid residue is found in multiple mammalian species, which suggests that this missense change does not adversely affect protein function. In summary, the available evidence is currently insufficient to determine the role of this variant in disease. Therefore, it has been classified as a Variant of Uncertain Significance.

NM_004385.5(VCAN):c.5406G>C (p.Leu1802Phe)

Genes: VCAN (versican; plus strand), VCAN-AS1 (VCAN antisense RNA 1; minus strand). Cytogenetic location: 5q14.3.
Variant type: single nucleotide variant.
Coding change: c.5406G>C on transcript NM_004385.5 (MANE Select); coding-DNA position 5406, G replaced by C.
Protein change: p.Leu1802Phe; replaces leucine 1802 with phenylalanine.
Molecular consequence: missense variant. On other transcripts: intron variant (2).
Genome position (GRCh38, 1-based): chr5:83,538,409, G>C. VCF-style: chr5-83538409-G-C. GRCh37 (hg19) VCF-style: chr5-82834228-G-C.
Other names: c.2445G>C, p.Leu815Phe (NM_001164097.2); c.4004-7128G>C (NM_001164098.2); c.1043-7128G>C (NM_001126336.3); short protein forms L1802F, L815F.
Identifiers: ClinVar variation 1483317 (VCV001483317.8), dbSNP rs2112442296, ClinGen allele CA360310344.